The following is an entry in ClinVar:

NM_000548.5(TSC2):c.1897A>G (p.Asn633Asp)

Gene: TSC2 (TSC complex subunit 2; plus strand). Cytogenetic location: 16p13.3.
Variant type: single nucleotide variant.
Coding change: c.1897A>G on transcript NM_000548.5 (MANE Select); coding-DNA position 1897, A replaced by G.
Protein change: p.Asn633Asp; replaces asparagine 633 with aspartic acid.
Molecular consequence: missense variant. On other transcripts: non-coding transcript variant (5).
Genome position (GRCh38, 1-based): chr16:2,071,567, A>G. VCF-style: chr16-2071567-A-G. GRCh37 (hg19) VCF-style: chr16-2121568-A-G.
Other names: c.1897A>G, p.Asn633Asp (NM_001077183.3, NM_001114382.3, NM_001363528.2 and 6 more transcripts); c.1786A>G, p.Asn596Asp (NM_001318827.2, NM_001406670.1, NM_001406678.1); c.1750A>G, p.Asn584Asp (NM_001318829.2, NM_001406675.1, NM_001406676.1 and 1 more transcripts); c.1297A>G, p.Asn433Asp (NM_001318831.2, NM_001406680.1, NM_001406682.1 and 6 more transcripts); c.1930A>G, p.Asn644Asp (NM_001318832.2); c.1987A>G, p.Asn663Asp (NM_001406667.1, NM_001406668.1); c.1885A>G, p.Asn629Asp (NM_001406671.1, NM_001406673.1); c.1840A>G, p.Asn614Asp (NM_001406677.1); and 3 more; short protein forms N614D, N629D, N633D, N99D, N479D, N644D, N433D, N584D.
Identifiers: ClinVar variation 3811372 (VCV003811372.1).

ClinVar aggregate classification (germline): Uncertain significance (1 of 4 stars; one submission).

Conditions:
Hereditary cancer-predisposing syndrome. Also called: Hereditary neoplastic syndrome; Neoplastic Syndromes, Hereditary; Tumor predisposition; Hereditary Cancer Syndrome. Identifiers: Orphanet 140162, MedGen C0027672, MeSH D009386, MONDO:0015356.

Submission:

Ambry Genetics
Classification: Uncertain significance for Hereditary cancer-predisposing syndrome. Last evaluated: 2025-03-06. Review status: criteria provided, single submitter. Criteria: Ambry Variant Classification Scheme 2023. Collection method: clinical testing. Allele origin: germline.
Comment: The p.N633D variant (also known as c.1897A>G), located in coding exon 17 of the TSC2 gene, results from an A to G substitution at nucleotide position 1897. The asparagine at codon 633 is replaced by aspartic acid, an amino acid with highly similar properties. This amino acid position is conserved. In addition, the in silico prediction for this alteration is inconclusive. Based on the available evidence, the clinical significance of this variant remains unclear.